The following is an entry in ClinVar:

NM_206933.4(USH2A):c.13009A>C (p.Thr4337Pro)

Gene: USH2A (usherin; minus strand). Cytogenetic location: 1q41.
Variant type: single nucleotide variant.
Coding change: c.13009A>C on transcript NM_206933.4 (MANE Select); coding-DNA position 13009, A replaced by C.
Protein change: p.Thr4337Pro; replaces threonine 4337 with proline.
Molecular consequence: missense variant.
Genome position (GRCh38, 1-based): chr1:215,674,902, T>G on the plus strand (A>C on the coding strand, the complement: USH2A is on the minus strand). VCF-style: chr1-215674902-T-G. GRCh37 (hg19) VCF-style: chr1-215848244-T-G.
Other names: short protein forms T4337P.
Identifiers: ClinVar variation 4800027 (VCV004800027.1).
Genomic context (GRCh38, chr1:215,674,902, plus strand): 5'-ATGGAGCAGCCTCCAGAGTTGTGATGCTGGTGGGTTTGCTGGTGGAGCATCCTCCACTCG[T>G]GCAGGCTTGGAGTGCATAGCTATAGGTGGAAAAAGGAAGAAGCTCTTCATCAGTGTAATT-3'
Protein context (NP_996816.3, residues 4327-4347): STYSYALQAC[Thr4337Pro]SGGCSTSKPT

ClinVar aggregate classification (germline): Uncertain significance (1 of 4 stars; one submission).

Submission:

Labcorp Genetics (formerly Invitae), Labcorp
Classification: Uncertain significance. Last evaluated: 2025-06-04. Review status: criteria provided, single submitter. Criteria: Invitae Variant Classification Sherloc (09022015). Collection method: clinical testing. Allele origin: germline.
Comment: This sequence change replaces threonine, which is neutral and polar, with proline, which is neutral and non-polar, at codon 4337 of the USH2A protein (p.Thr4337Pro). This variant is not present in population databases (gnomAD no frequency). This variant has not been reported in the literature in individuals affected with USH2A-related conditions. Invitae Evidence Modeling of protein sequence and biophysical properties (such as structural, functional, and spatial information, amino acid conservation, physicochemical variation, residue mobility, and thermodynamic stability) has been performed for this missense variant. However, the output from this modeling did not meet the statistical confidence thresholds required to predict the impact of this variant on USH2A protein function. This variant disrupts the p.Thr4337 amino acid residue in USH2A. Other variant(s) that disrupt this residue have been determined to be pathogenic (PMID: 17085681, 24498627, 25324289, 25356976, 26654877, 26667666, 28944237, 29588463). This suggests that this residue is clinically significant, and that variants that disrupt this residue are likely to be disease-causing. In summary, the available evidence is currently insufficient to determine the role of this variant in disease. Therefore, it has been classified as a Variant of Uncertain Significance.

Literature cited by the submitters: PubMed 17085681; PubMed 24498627; PubMed 25324289; PubMed 25356976; PubMed 26654877; PubMed 26667666; PubMed 28944237; PubMed 29588463.